The following is an entry in ClinVar:

ClinVar aggregate classification (germline): Uncertain significance (1 of 4 stars; one submission).

gnomAD v4.1: 3 of 1,614,078 alleles (0.00019%); highest among the groups gnomAD compares: Non-Finnish European, 0.00025%; no homozygotes.

Submission:

Labcorp Genetics (formerly Invitae), Labcorp
Classification: Uncertain significance. Last evaluated: 2024-05-06. Review status: criteria provided, single submitter. Criteria: Invitae Variant Classification Sherloc (09022015). Collection method: clinical testing. Allele origin: germline.
Comment: This sequence change replaces cysteine, which is neutral and slightly polar, with tyrosine, which is neutral and polar, at codon 89 of the NEK2 protein (p.Cys89Tyr). This variant is not present in population databases (gnomAD no frequency). This variant has not been reported in the literature in individuals affected with NEK2-related conditions. An algorithm developed to predict the effect of missense changes on protein structure and function (PolyPhen-2) suggests that this variant is likely to be disruptive. In summary, the available evidence is currently insufficient to determine the role of this variant in disease. Therefore, it has been classified as a Variant of Uncertain Significance.

NM_002497.4(NEK2):c.266G>A (p.Cys89Tyr)

Gene: NEK2 (NIMA related kinase 2; minus strand). Cytogenetic location: 1q32.3.
Variant type: single nucleotide variant.
Coding change: c.266G>A on transcript NM_002497.4 (MANE Select); coding-DNA position 266, G replaced by A.
Protein change: p.Cys89Tyr; replaces cysteine 89 with tyrosine.
Molecular consequence: missense variant.
Genome position (GRCh38, 1-based): chr1:211,674,344, C>T on the plus strand (G>A on the coding strand, the complement: NEK2 is on the minus strand). VCF-style: chr1-211674344-C-T. GRCh37 (hg19) VCF-style: chr1-211847686-C-T.
Other names: c.266G>A, p.Cys89Tyr (NM_001204182.2, NM_001204183.2); short protein forms C89Y.
Identifiers: ClinVar variation 3651164 (VCV003651164.2).